The following is an entry in ClinVar:

ClinVar aggregate classification (germline): Likely pathogenic (1 of 4 stars; one submission).

Conditions:
Mitochondrial neurogastrointestinal encephalomyopathy. Also called: Mitochondrial neurogastrointestinal encephalopathy syndrome; MNGIE syndrome; Thymidine phosphorylase deficiency. Identifiers: Orphanet 298, MedGen C0872218, MONDO:0017575.

Submission:

Natera, Inc.
Classification: Likely pathogenic for Mitochondrial neurogastrointestinal encephalomyopathy. Last evaluated: 2024-10-14. Review status: criteria provided, single submitter. Criteria: Natera Variant Classification Schema (03/2026). Collection method: clinical testing. Allele origin: germline.
Comment: The c.733C>T variant in TYMP is a nonsense variant predicted to introduce a stop codon at amino acid 245. This variant is expected to result in nonsense mediated decay, truncation, or a dysfunctional protein product. This variant is rare in the general population with a frequency below the threshold expected for the associated phenotype(s). Given the available evidence, this variant is classified as Likely Pathogenic.

NM_001953.5(TYMP):c.733C>T (p.Gln245Ter)

Gene: TYMP (thymidine phosphorylase; minus strand). Cytogenetic location: 22q13.33.
Variant type: single nucleotide variant.
Coding change: c.733C>T on transcript NM_001953.5 (MANE Select); coding-DNA position 733, C replaced by T.
Protein change: p.Gln245Ter; replaces glutamine 245 with a stop codon.
Molecular consequence: nonsense.
Genome position (GRCh38, 1-based): chr22:50,527,197, G>A on the plus strand (C>T on the coding strand, the complement: TYMP is on the minus strand). VCF-style: chr22-50527197-G-A. GRCh37 (hg19) VCF-style: chr22-50965626-G-A.
Other names: c.733C>T, p.Gln245Ter (NM_001113755.3, NM_001113756.3, NM_001257988.1 and 1 more transcripts); short protein forms Q245*.
Identifiers: ClinVar variation 4814992 (VCV004814992.1).